The following is an entry in ClinVar:

NM_002691.4(POLD1):c.2331G>C (p.Glu777Asp)

Gene: POLD1 (DNA polymerase delta 1, catalytic subunit; plus strand). Cytogenetic location: 19q13.33.
Variant type: single nucleotide variant.
Coding change: c.2331G>C on transcript NM_002691.4 (MANE Select); coding-DNA position 2331, G replaced by C.
Protein change: p.Glu777Asp; replaces glutamic acid 777 with aspartic acid.
Molecular consequence: missense variant. On other transcripts: non-coding transcript variant (1).
Genome position (GRCh38, 1-based): chr19:50,413,822, G>C. VCF-style: chr19-50413822-G-C. GRCh37 (hg19) VCF-style: chr19-50917079-G-C.
Other names: c.2331G>C, p.Glu777Asp (NM_001256849.1); c.2409G>C, p.Glu803Asp (NM_001308632.1); short protein forms E803D, E777D.
Identifiers: ClinVar variation 642380 (VCV000642380.6), dbSNP rs755163951, ClinGen allele CA406984206.

ClinVar aggregate classification (germline): Uncertain significance (1 of 4 stars; one submission).

Conditions:
POLD1-related polyposis and colorectal cancer syndrome (CRCS10). Also called: Colorectal cancer, susceptibility to, 10; Colorectal cancer 10; COLORECTAL CANCER, SUSCEPTIBILITY TO, ON CHROMOSOME 19q. Identifiers: Orphanet 220460, MedGen C2675481, MONDO:0012953, OMIM 612591.

Submission:

Labcorp Genetics (formerly Invitae), Labcorp
Classification: Uncertain significance for POLD1-related polyposis and colorectal cancer syndrome. Last evaluated: 2021-09-15. Review status: criteria provided, single submitter. Criteria: Invitae Variant Classification Sherloc (09022015). Collection method: clinical testing. Allele origin: germline.
Comment: In summary, the available evidence is currently insufficient to determine the role of this variant in disease. Therefore, it has been classified as a Variant of Uncertain Significance. Algorithms developed to predict the effect of missense changes on protein structure and function are either unavailable or do not agree on the potential impact of this missense change (SIFT: "Tolerated"; PolyPhen-2: "Probably Damaging"; Align-GVGD: "Class C0"). This variant has not been reported in the literature in individuals affected with POLD1-related conditions. This variant is not present in population databases (ExAC no frequency). This sequence change replaces glutamic acid with aspartic acid at codon 777 of the POLD1 protein (p.Glu777Asp). The glutamic acid residue is highly conserved and there is a small physicochemical difference between glutamic acid and aspartic acid.